The following is an entry in ClinVar:

ClinVar aggregate classification (germline): Uncertain significance. Review status: criteria provided, multiple submitters, no conflicts (2 of 4 stars). 2 submissions from 2 submitters: Uncertain significance (2). Last evaluated 2025-10-21.

Conditions:
Dilated cardiomyopathy 1C (CMD1C). Also called: CARDIOMYOPATHY, DILATED, 1C, WITH OR WITHOUT LEFT VENTRICULAR NONCOMPACTION; Cardiomyopathy, dilated, 1C, with or without LVNC. Identifiers: Orphanet 154, Orphanet 54260, MedGen C1832244, MONDO:0011094, OMIM 601493.
Myofibrillar myopathy 4. Also called: Zaspopathy (type). Identifiers: Orphanet 98912, MedGen C4721886, MONDO:0012277, OMIM 609452.

gnomAD v4.1: 1 of 1,614,144 alleles (0.000062%); highest among the groups gnomAD compares: Non-Finnish European, 0.000085%; no homozygotes.

Submissions (2):

Labcorp Genetics (formerly Invitae), Labcorp
Classification: Uncertain significance for Myofibrillar myopathy 4. Last evaluated: 2025-10-21. Review status: criteria provided, single submitter. Criteria: Invitae Variant Classification Sherloc (09022015). Collection method: clinical testing. Allele origin: germline.
Comment: This sequence change replaces serine, which is neutral and polar, with proline, which is neutral and non-polar, at codon 251 of the LDB3 protein (p.Ser251Pro). This variant is not present in population databases (gnomAD no frequency). This variant has not been reported in the literature in individuals affected with LDB3-related conditions. ClinVar contains an entry for this variant (Variation ID: 943493). An algorithm developed to predict the effect of missense changes on protein structure and function (PolyPhen-2) suggests that this variant is likely to be disruptive. In summary, the available evidence is currently insufficient to determine the role of this variant in disease. Therefore, it has been classified as a Variant of Uncertain Significance.

Fulgent Genetics
Classification: Uncertain significance for Dilated cardiomyopathy 1C; Myofibrillar myopathy 4. Last evaluated: 2021-10-17. Review status: criteria provided, single submitter. Criteria: ACMG Guidelines, 2015. Collection method: clinical testing. Allele origin: unknown.

NM_007078.3(LDB3):c.892T>C (p.Ser298Pro)

Gene: LDB3 (LIM domain binding 3; plus strand). Cytogenetic location: 10q23.2.
Variant type: single nucleotide variant.
Coding change: c.892T>C on transcript NM_007078.3 (MANE Select); coding-DNA position 892, T replaced by C.
Protein change: p.Ser298Pro; replaces serine 298 with proline.
Molecular consequence: missense variant.
Genome position (GRCh38, 1-based): chr10:86,692,567, T>C. VCF-style: chr10-86692567-T-C. GRCh37 (hg19) VCF-style: chr10-88452324-T-C.
Other names: c.751T>C, p.Ser251Pro (NM_001080116.1, NM_001080114.2, NM_001368066.1 and 2 more transcripts); c.892T>C, p.Ser298Pro (NM_001080115.2, NM_001368063.1, NM_001368064.1 and 1 more transcripts); c.1096T>C, p.Ser366Pro (NM_001171610.2, NM_001171611.2); short protein forms S298P, S251P, S366P.
Identifiers: ClinVar variation 943493 (VCV000943493.11), dbSNP rs953198544, ClinGen allele CA377443653.
Genomic context (GRCh38, chr10:86,692,567, plus strand): 5'-CCCCTGACCAGCTCCTTTCTACCAACAGTGCAAGACCCTGATGAAGAAGCTCTGCGAAGG[T>C]CAAGGTAAGTGCCTGGACTCAGGCTCTGTGGCCTTGCCCTCTAGCCCCGTCCCTCCCCGG-3'
Protein context (NP_009009.1, residues 288-308): QDPDEEALRR[Ser298Pro]STPIEHAPVC